The following is an entry in ClinVar:

NM_005529.7(HSPG2):c.11554C>T (p.Pro3852Ser)

Gene: HSPG2 (heparan sulfate proteoglycan 2; minus strand). Cytogenetic location: 1p36.12.
Variant type: single nucleotide variant.
Coding change: c.11554C>T on transcript NM_005529.7 (MANE Select); coding-DNA position 11554, C replaced by T.
Protein change: p.Pro3852Ser; replaces proline 3852 with serine.
Molecular consequence: missense variant.
Genome position (GRCh38, 1-based): chr1:21,831,223, G>A on the plus strand (C>T on the coding strand, the complement: HSPG2 is on the minus strand). VCF-style: chr1-21831223-G-A. GRCh37 (hg19) VCF-style: chr1-22157716-G-A.
Other names: c.11557C>T, p.Pro3853Ser (NM_001291860.2); short protein forms P3852S, P3853S.
Identifiers: ClinVar variation 3361453 (VCV003361453.1).

ClinVar aggregate classification (germline): Uncertain significance (1 of 4 stars; one submission).

Submission:

GeneDx
Classification: Uncertain significance. Last evaluated: 2023-02-22. Review status: criteria provided, single submitter. Criteria: GeneDx Variant Classification Process June 2021. Collection method: clinical testing. Allele origin: germline. Affected: yes.
Comment: Has not been previously published as pathogenic or benign to our knowledge; Not observed at significant frequency in large population cohorts (gnomAD); In silico analysis supports that this missense variant has a deleterious effect on protein structure/function; This variant is associated with the following publications: (PMID: 27535533)